The following is an entry in ClinVar:

NM_024301.5(FKRP):c.1191G>T (p.Ala397=)

Gene: FKRP (fukutin related protein; plus strand). Cytogenetic location: 19q13.32.
Variant type: single nucleotide variant.
Coding change: c.1191G>T on transcript NM_024301.5 (MANE Select); coding-DNA position 1191, G replaced by T.
Protein change: p.Ala397=; no amino-acid change (alanine 397 retained).
Molecular consequence: synonymous variant.
Genome position (GRCh38, 1-based): chr19:46,756,641, G>T. VCF-style: chr19-46756641-G-T. GRCh37 (hg19) VCF-style: chr19-47259898-G-T.
Other names: c.1191G>T, p.Ala397= (NM_001039885.3).
Identifiers: ClinVar variation 390658 (VCV000390658.1), dbSNP rs752767486, ClinGen allele CA16608281.
Genomic context (GRCh38, chr19:46,756,641, plus strand): 5'-GCTGCGGGGGGCAGAGGCCGGCTCGGTGGTGGATGAGCGCGGCTTCGTATGGGAGAAGGC[G>T]GTCGAGGGCGACTTTTTCCGCGTGCAGTACAGCGAAAGCAACCACTTGCACGTGGACCTG-3'
Protein context (NP_077277.1, residues 387-407): VDERGFVWEK[Ala397=]VEGDFFRVQY

ClinVar aggregate classification (germline): Likely benign (1 of 4 stars; one submission).

Submission:

GeneDx
Classification: Likely benign. Last evaluated: 2016-11-07. Review status: criteria provided, single submitter. Criteria: GeneDx Variant Classification (06012015). Collection method: clinical testing. Allele origin: germline. Affected: yes.
Comment: This variant is considered likely benign or benign based on one or more of the following criteria: it is a conservative change, it occurs at a poorly conserved position in the protein, it is predicted to be benign by multiple in silico algorithms, and/or has population frequency not consistent with disease.